The following is an entry in ClinVar:

NM_000017.4(ACADS):c.321_322inv (p.Gly108Ser)

Gene: ACADS (acyl-CoA dehydrogenase short chain; plus strand). Cytogenetic location: 12q24.31.
Variant type: Inversion.
Coding change: c.321_322inv on transcript NM_000017.4 (MANE Select).
Protein change: p.Gly108Ser; replaces glycine 108 with serine.
Molecular consequence: missense variant.
Genome position: GRCh38 VCF-style: chr12-120737096-TG-CA. GRCh37 (hg19) VCF-style: chr12-121174899-TG-CA.
Other names: c.321_322inv, p.Gly108Ser (NM_001302554.2); short protein forms G108S.
Identifiers: ClinVar variation 970024 (VCV000970024.8), ClinGen allele CA1139662938.

ClinVar aggregate classification (germline): Uncertain significance (1 of 4 stars; one submission).

Conditions:
Deficiency of butyryl-CoA dehydrogenase (ACADSD). Also called: SCADH DEFICIENCY; ACADS DEFICIENCY; Short-Chain Acyl-CoA Dehydrogenase Deficiency; SCAD Deficiency; SCAD DEFICIENCY, MILD; ACYL-CoA DEHYDROGENASE, SHORT-CHAIN, DEFICIENCY OF. Identifiers: Orphanet 26792, MedGen C0342783, MONDO:0008722, OMIM 201470. Disease mechanism: May be benign.

Submission:

Labcorp Genetics (formerly Invitae), Labcorp
Classification: Uncertain significance for Deficiency of butyryl-CoA dehydrogenase. Last evaluated: 2019-05-01. Review status: criteria provided, single submitter. Criteria: Invitae Variant Classification Sherloc (09022015). Collection method: clinical testing. Allele origin: germline.
Comment: In summary, the available evidence is currently insufficient to determine the role of this variant in disease. Therefore, it has been classified as a Variant of Uncertain Significance. This variant has been observed in an individual with clinical features of SCAD deficiency (PMID: 23155713). This variant is not present in population databases (ExAC no frequency). This sequence change replaces glycine with serine at codon 108 of the ACADS protein (p.Gly108Ser). The glycine residue is highly conserved and there is a small physicochemical difference between glycine and serine.

Literature cited by the submitters: PubMed 23155713.